The following is an entry in ClinVar:

ClinVar aggregate classification (germline): Uncertain significance. Review status: criteria provided, multiple submitters, no conflicts (2 of 4 stars). 2 submissions from 2 submitters: Uncertain significance (2). Last evaluated 2026-03-05.

Conditions:
Ullrich congenital muscular dystrophy 2 (UCMD2). Identifiers: Orphanet 75840, MedGen C4225314, MONDO:0014654, OMIM 616470.
Bethlem myopathy 2 (BTHLM2). Identifiers: Orphanet 536516, Orphanet 610, MedGen C4225313, MONDO:0034022, OMIM 616471.

Allele frequency attached by ClinVar (database versions not stated): ExAC 0.00001; gnomAD 0.00001; gnomAD exomes 0.00001.
gnomAD v4.1: 19 of 1,613,254 alleles (0.0012%); highest among the groups gnomAD compares: Non-Finnish European, 0.0016%; no homozygotes.

Submissions (2):

GeneDx
Classification: Uncertain significance. Last evaluated: 2026-03-05. Review status: criteria provided, single submitter. Criteria: GeneDx Variant Classification Process June 2021. Collection method: clinical testing. Allele origin: germline.
Comment: Not observed at significant frequency in large population cohorts (gnomAD); In silico analysis suggests that this missense variant does not alter protein structure/function; Has not been previously published as pathogenic or benign to our knowledge

Labcorp Genetics (formerly Invitae), Labcorp
Classification: Uncertain significance for Bethlem myopathy 2; Ullrich congenital muscular dystrophy 2. Last evaluated: 2024-04-10. Review status: criteria provided, single submitter. Criteria: Invitae Variant Classification Sherloc (09022015). Collection method: clinical testing. Allele origin: germline.
Comment: This sequence change replaces threonine, which is neutral and polar, with alanine, which is neutral and non-polar, at codon 188 of the COL12A1 protein (p.Thr188Ala). This variant is present in population databases (rs767796362, gnomAD 0.002%). This variant has not been reported in the literature in individuals affected with COL12A1-related conditions. ClinVar contains an entry for this variant (Variation ID: 653079). Advanced modeling of protein sequence and biophysical properties (such as structural, functional, and spatial information, amino acid conservation, physicochemical variation, residue mobility, and thermodynamic stability) performed at Invitae indicates that this missense variant is not expected to disrupt COL12A1 protein function with a negative predictive value of 80%. In summary, the available evidence is currently insufficient to determine the role of this variant in disease. Therefore, it has been classified as a Variant of Uncertain Significance.

NM_004370.6(COL12A1):c.562A>G (p.Thr188Ala)

Gene: COL12A1 (collagen type XII alpha 1 chain; minus strand). Cytogenetic location: 6q13.
Variant type: single nucleotide variant.
Coding change: c.562A>G on transcript NM_004370.6 (MANE Select); coding-DNA position 562, A replaced by G.
Protein change: p.Thr188Ala; replaces threonine 188 with alanine.
Molecular consequence: missense variant. On other transcripts: intron variant (1).
Genome position (GRCh38, 1-based): chr6:75,189,648, T>C on the plus strand (A>G on the coding strand, the complement: COL12A1 is on the minus strand). VCF-style: chr6-75189648-T-C. GRCh37 (hg19) VCF-style: chr6-75899364-T-C.
Other names: c.73+13072A>G (NM_080645.3); short protein forms T188A.
Identifiers: ClinVar variation 653079 (VCV000653079.8), dbSNP rs767796362, ClinGen allele CA3894400.